The following is an entry in ClinVar:

NM_006904.7(PRKDC):c.11582G>A (p.Gly3861Asp)

Gene: PRKDC (protein kinase, DNA-activated, catalytic subunit; minus strand). Cytogenetic location: 8q11.21.
Variant type: single nucleotide variant.
Coding change: c.11582G>A on transcript NM_006904.7 (MANE Select); coding-DNA position 11582, G replaced by A.
Protein change: p.Gly3861Asp; replaces glycine 3861 with aspartic acid.
Molecular consequence: missense variant.
Genome position (GRCh38, 1-based): chr8:47,778,797, C>T on the plus strand (G>A on the coding strand, the complement: PRKDC is on the minus strand). VCF-style: chr8-47778797-C-T. GRCh37 (hg19) VCF-style: chr8-48691358-C-T.
Other names: c.11489G>A, p.Gly3830Asp (NM_001081640.2); short protein forms G3830D, G3861D.
Identifiers: ClinVar variation 1412788 (VCV001412788.7), dbSNP rs554733258, ClinGen allele CA371129017.

ClinVar aggregate classification (germline): Uncertain significance. Review status: criteria provided, multiple submitters, no conflicts (2 of 4 stars). 2 submissions from 2 submitters: Uncertain significance (2). Last evaluated 2025-08-07.

Conditions:
Severe combined immunodeficiency due to DNA-PKcs deficiency. Also called: IMMUNODEFICIENCY 26 WITH NEUROLOGIC ABNORMALITIES; Immunodeficiency 26 with or without neurologic abnormalities. Identifiers: Orphanet 317425, MedGen C4014833, MONDO:0014423, OMIM 615966.

Submissions (2):

Dasa
Classification: Uncertain significance. Last evaluated: 2025-08-07. Review status: criteria provided, single submitter. Criteria: DASA Assertion Criteria. Collection method: clinical testing. Allele origin: germline.
Comment: NM_006904.7(PRKDC):c.11582G>A (p.Gly3861Asp) is a missense variant that results in the substitution of glycine with aspartic acid. This variant is absent from population databases. Computational prediction algorithms are consistent with a benign effect. The currently available literature and clinical evidence are not sufficient to establish a definitive association between this variant and the reported condition. Therefore, this variant is classified as a variant of uncertain significance.

Labcorp Genetics (formerly Invitae), Labcorp
Classification: Uncertain significance for Severe combined immunodeficiency due to DNA-PKcs deficiency. Last evaluated: 2024-10-16. Review status: criteria provided, single submitter. Criteria: Invitae Variant Classification Sherloc (09022015). Collection method: clinical testing. Allele origin: germline.
Comment: This sequence change replaces glycine, which is neutral and non-polar, with aspartic acid, which is acidic and polar, at codon 3861 of the PRKDC protein (p.Gly3861Asp). This variant is not present in population databases (gnomAD no frequency). This variant has not been reported in the literature in individuals affected with PRKDC-related conditions. ClinVar contains an entry for this variant (Variation ID: 1412788). Experimental studies and prediction algorithms are not available or were not evaluated, and the functional significance of this variant is currently unknown. In summary, the available evidence is currently insufficient to determine the role of this variant in disease. Therefore, it has been classified as a Variant of Uncertain Significance.